The following is an entry in ClinVar:

ClinVar aggregate classification (germline): Uncertain significance (1 of 4 stars; one submission).

Allele frequency attached by ClinVar (database versions not stated): gnomAD 0.00001.

Submission:

Labcorp Genetics (formerly Invitae), Labcorp
Classification: Uncertain significance. Last evaluated: 2023-08-04. Review status: criteria provided, single submitter. Criteria: Invitae Variant Classification Sherloc (09022015). Collection method: clinical testing. Allele origin: germline.
Comment: In summary, the available evidence is currently insufficient to determine the role of this variant in disease. Therefore, it has been classified as a Variant of Uncertain Significance. Variants that disrupt the consensus splice site are a relatively common cause of aberrant splicing (PMID: 17576681, 9536098). Algorithms developed to predict the effect of sequence changes on RNA splicing suggest that this variant may disrupt the consensus splice site. This variant has not been reported in the literature in individuals affected with USH2A-related conditions. This variant is present in population databases (no rsID available, gnomAD 0.003%). This sequence change falls in intron 61 of the USH2A gene. It does not directly change the encoded amino acid sequence of the USH2A protein. It affects a nucleotide within the consensus splice site.

Literature cited by the submitters: PubMed 17576681; PubMed 9536098.

NM_206933.4(USH2A):c.12066+3_12066+4del

Gene: USH2A (usherin; minus strand). Cytogenetic location: 1q41.
Variant type: Deletion.
Coding change: c.12066+3_12066+4del on transcript NM_206933.4 (MANE Select); bases 3 to 4 of the intron after coding-DNA position 12066, 2 bases deleted (AA; older notation c.12066+3_12066+4delAA).
Molecular consequence: intron variant.
Genome position (GRCh38, 1-based): chr1:215,728,026-215,728,027, TT deleted on the plus strand (AA on the coding strand, the reverse complement: USH2A is on the minus strand). VCF-style (leftmost placement, unchanged base first): chr1-215728025-CTT-C. GRCh37 (hg19) VCF-style: chr1-215901367-CTT-C.
Identifiers: ClinVar variation 2997506 (VCV002997506.3), dbSNP rs1558071945, ClinGen allele CA528705102.